The following is an entry in ClinVar:

ClinVar aggregate classification (germline): Uncertain significance. Review status: criteria provided, multiple submitters, no conflicts (2 of 4 stars). 3 submissions from 3 submitters: Uncertain significance (3). Last evaluated 2025-12-07.

Conditions:
Hereditary cancer-predisposing syndrome. Also called: Hereditary Cancer Syndrome; Hereditary neoplastic syndrome; Neoplastic Syndromes, Hereditary; Tumor predisposition. Identifiers: Orphanet 140162, MedGen C0027672, MeSH D009386, MONDO:0015356.
Familial cancer of breast. Also called: hereditary breast carcinoma; BREAST CANCER, FAMILIAL; Hereditary breast cancer. Identifiers: Orphanet 227535, MedGen C0346153, MONDO:0016419, OMIM 114480. Disease mechanism: loss of function.
Fanconi anemia complementation group J. Also called: BRIP1-Related Fanconi Anemia. Identifiers: Orphanet 84, MedGen C1836860, MONDO:0012187, OMIM 609054.

Allele frequency attached by ClinVar (database versions not stated): ExAC 0.00001; gnomAD exomes 0.00001.
gnomAD v4.1: 7 of 1,612,732 alleles (0.00043%); highest among the groups gnomAD compares: South Asian, 0.0077%; no homozygotes.

Submissions (3):

Ambry Genetics
Classification: Uncertain significance for Hereditary cancer-predisposing syndrome. Last evaluated: 2025-12-07. Review status: criteria provided, single submitter. Criteria: Ambry Variant Classification Scheme 2023. Collection method: clinical testing. Allele origin: germline.
Comment: The p.P71L variant (also known as c.212C>T), located in coding exon 3 of the BRIP1 gene, results from a C to T substitution at nucleotide position 212. The proline at codon 71 is replaced by leucine, an amino acid with similar properties. This amino acid position is conserved. In addition, this alteration is predicted to be tolerated by in silico analysis. Since supporting evidence is limited at this time, the clinical significance of this alteration remains unclear.

Labcorp Genetics (formerly Invitae), Labcorp
Classification: Uncertain significance for Familial cancer of breast; Fanconi anemia complementation group J. Last evaluated: 2024-10-31. Review status: criteria provided, single submitter. Criteria: Invitae Variant Classification Sherloc (09022015). Collection method: clinical testing. Allele origin: germline.
Comment: This sequence change replaces proline, which is neutral and non-polar, with leucine, which is neutral and non-polar, at codon 71 of the BRIP1 protein (p.Pro71Leu). This variant is present in population databases (rs779629295, gnomAD 0.007%). This variant has not been reported in the literature in individuals affected with BRIP1-related conditions. ClinVar contains an entry for this variant (Variation ID: 924261). Invitae Evidence Modeling of protein sequence and biophysical properties (such as structural, functional, and spatial information, amino acid conservation, physicochemical variation, residue mobility, and thermodynamic stability) indicates that this missense variant is not expected to disrupt BRIP1 protein function with a negative predictive value of 95%. In summary, the available evidence is currently insufficient to determine the role of this variant in disease. Therefore, it has been classified as a Variant of Uncertain Significance.

Color Diagnostics, LLC DBA Color Health
Classification: Uncertain significance for Hereditary cancer-predisposing syndrome. Last evaluated: 2023-12-05. Review status: criteria provided, single submitter. Criteria: ACMG Guidelines, 2015. Collection method: clinical testing. Allele origin: germline.
Comment: This missense variant replaces proline with leucine at codon 71 of the BRIP1 protein. Computational prediction suggests that this variant may not impact protein structure and function (internally defined REVEL score threshold <= 0.5, PMID: 27666373). To our knowledge, functional studies have not been reported for this variant. This variant has not been reported in individuals affected with BRIP1-related disorders in the literature. This variant has been identified in 2/251034 chromosomes in the general population by the Genome Aggregation Database (gnomAD). The available evidence is insufficient to determine the role of this variant in disease conclusively. Therefore, this variant is classified as a Variant of Uncertain Significance.

NM_032043.3(BRIP1):c.212C>T (p.Pro71Leu)

Gene: BRIP1 (BRCA1 interacting DNA helicase 1; minus strand). Cytogenetic location: 17q23.2.
Variant type: single nucleotide variant.
Coding change: c.212C>T on transcript NM_032043.3 (MANE Select); coding-DNA position 212, C replaced by T.
Protein change: p.Pro71Leu; replaces proline 71 with leucine.
Molecular consequence: missense variant.
Genome position (GRCh38, 1-based): chr17:61,857,225, G>A on the plus strand (C>T on the coding strand, the complement: BRIP1 is on the minus strand). VCF-style: chr17-61857225-G-A. GRCh37 (hg19) VCF-style: chr17-59934586-G-A.
Other names: short protein forms P71L.
Identifiers: ClinVar variation 924261 (VCV000924261.9), dbSNP rs779629295, ClinGen allele CA8690971.